The following is an entry in ClinVar:

NM_001164508.2(NEB):c.6828G>C (p.Trp2276Cys)

Gene: NEB (nebulin; minus strand). Cytogenetic location: 2q23.3.
Variant type: single nucleotide variant.
Coding change: c.6828G>C on transcript NM_001164508.2 (MANE Select); coding-DNA position 6828, G replaced by C.
Protein change: p.Trp2276Cys; replaces tryptophan 2276 with cysteine.
Molecular consequence: missense variant.
Genome position (GRCh38, 1-based): chr2:151,654,079, C>G on the plus strand (G>C on the coding strand, the complement: NEB is on the minus strand). VCF-style: chr2-151654079-C-G. GRCh37 (hg19) VCF-style: chr2-152510593-C-G.
Other names: c.6828G>C, p.Trp2276Cys (NM_001164507.2, NM_001271208.2, NM_004543.5); short protein forms W2276C.
Identifiers: ClinVar variation 1003995 (VCV001003995.6), dbSNP rs2099059984, ClinGen allele CA348793471.

ClinVar aggregate classification (germline): Uncertain significance (1 of 4 stars; one submission).

Conditions:
Nemaline myopathy 2 (NEM2). Also called: Nemaline myopathy 2, autosomal recessive. Identifiers: MedGen C1850569, MONDO:0009725, OMIM 256030.

Submission:

Labcorp Genetics (formerly Invitae), Labcorp
Classification: Uncertain significance for Nemaline myopathy 2. Last evaluated: 2021-08-28. Review status: criteria provided, single submitter. Criteria: Invitae Variant Classification Sherloc (09022015). Collection method: clinical testing. Allele origin: germline.
Comment: This sequence change replaces tryptophan with cysteine at codon 2276 of the NEB protein (p.Trp2276Cys). The tryptophan residue is moderately conserved and there is a large physicochemical difference between tryptophan and cysteine. This variant is not present in population databases (ExAC no frequency). This variant has not been reported in the literature in individuals affected with NEB-related conditions. Algorithms developed to predict the effect of missense changes on protein structure and function are either unavailable or do not agree on the potential impact of this missense change (SIFT: "Deleterious"; PolyPhen-2: "Not Available"; Align-GVGD: "Class C0"). In summary, the available evidence is currently insufficient to determine the role of this variant in disease. Therefore, it has been classified as a Variant of Uncertain Significance.